The following is an entry in ClinVar:

NM_152415.3(VPS37A):c.-31C>T

Gene: VPS37A (VPS37A subunit of ESCRT-I; plus strand). Cytogenetic location: 8p22.
Variant type: single nucleotide variant.
Coding change: c.-31C>T on transcript NM_152415.3 (MANE Select); 31 bases upstream of the start codon, C replaced by T.
Molecular consequence: 5 prime UTR variant.
Genome position (GRCh38, 1-based): chr8:17,247,214, C>T. VCF-style: chr8-17247214-C-T. GRCh37 (hg19) VCF-style: chr8-17104723-C-T.
Other names: c.-31C>T (NM_001145152.2, NM_001363167.1, NM_001363173.2); c.-346C>T (NM_001363168.1, NM_001363170.1, NM_001363172.2); c.-296C>T (NM_001363169.1, NM_001363171.1).
Identifiers: ClinVar variation 680365 (VCV000680365.1), dbSNP rs752839025, ClinGen allele CA4643072.

ClinVar aggregate classification (germline): Likely benign (1 of 4 stars; one submission).

Allele frequency attached by ClinVar (database versions not stated): gnomAD exomes 0.00003 and 0.00022; ExAC 0.00005; gnomAD 0.00033 and 0.00035; TOPMed 0.00034.
gnomAD v4.1: 94 of 1,561,898 alleles (0.006%); highest among the groups gnomAD compares: Admixed American, 0.16%; no homozygotes.

Submission:

GeneDx
Classification: Likely benign. Last evaluated: 2018-03-15. Review status: criteria provided, single submitter. Criteria: GeneDx Variant Classification (06012015). Collection method: clinical testing. Allele origin: germline. Affected: yes.
Comment: This variant is considered likely benign or benign based on one or more of the following criteria: it is a conservative change, it occurs at a poorly conserved position in the protein, it is predicted to be benign by multiple in silico algorithms, and/or has population frequency not consistent with disease.